The following is an entry in ClinVar:

ClinVar aggregate classification (germline): Uncertain significance (1 of 4 stars; one submission).

gnomAD v4.1: 8 of 1,497,800 alleles (0.00053%); highest among the groups gnomAD compares: Non-Finnish European, 0.00071%; no homozygotes.

Submission:

CeGaT Center for Human Genetics Tuebingen
Classification: Uncertain significance. Last evaluated: 2026-02-01. Review status: criteria provided, single submitter. Criteria: CeGaT Center For Human Genetics Tuebingen Variant Classification Criteria Version 2. Collection method: clinical testing. Allele origin: germline. Affected: yes. Observed: 1 variant allele.
Comment: CACNA1A: PP3

NM_001127222.2(CACNA1A):c.28G>T (p.Ala10Ser)

Gene: CACNA1A (calcium voltage-gated channel subunit alpha1 A; minus strand). Cytogenetic location: 19p13.13.
Variant type: single nucleotide variant.
Coding change: c.28G>T on transcript NM_001127222.2 (MANE Select); coding-DNA position 28, G replaced by T.
Protein change: p.Ala10Ser; replaces alanine 10 with serine.
Molecular consequence: missense variant.
Genome position (GRCh38, 1-based): chr19:13,506,197, C>A on the plus strand (G>T on the coding strand, the complement: CACNA1A is on the minus strand). VCF-style: chr19-13506197-C-A. GRCh37 (hg19) VCF-style: chr19-13617011-C-A.
Other names: c.28G>T, p.Ala10Ser (NM_000068.4, NM_001127221.2, NM_001174080.2 and 1 more transcripts); short protein forms A10S.
Identifiers: ClinVar variation 4821182 (VCV004821182.4).